The following is an entry in ClinVar:

NM_152296.5(ATP1A3):c.2588T>C (p.Leu863Pro)

Gene: ATP1A3 (ATPase Na+/K+ transporting subunit alpha 3; minus strand). Cytogenetic location: 19q13.2.
Variant type: single nucleotide variant.
Coding change: c.2588T>C on transcript NM_152296.5 (MANE Select); coding-DNA position 2588, T replaced by C.
Protein change: p.Leu863Pro; replaces leucine 863 with proline.
Molecular consequence: missense variant.
Genome position (GRCh38, 1-based): chr19:41,969,535, A>G on the plus strand (T>C on the coding strand, the complement: ATP1A3 is on the minus strand). VCF-style: chr19-41969535-A-G. GRCh37 (hg19) VCF-style: chr19-42473687-A-G.
Other names: c.2621T>C, p.Leu874Pro (NM_001256213.2); c.2627T>C, p.Leu876Pro (NM_001256214.2); short protein forms L863P, L874P, L876P.
Identifiers: ClinVar variation 1686773 (VCV001686773.2), dbSNP rs2145945970, ClinGen allele CA406038161.

ClinVar aggregate classification (germline): Uncertain significance (1 of 4 stars; one submission).

Submission:

GeneDx
Classification: Uncertain significance. Last evaluated: 2022-05-20. Review status: criteria provided, single submitter. Criteria: GeneDx Variant Classification Process June 2021. Collection method: clinical testing. Allele origin: germline. Affected: yes.
Comment: Not observed in large population cohorts (gnomAD); In silico analysis supports that this missense variant has a deleterious effect on protein structure/function; Has not been previously published as pathogenic or benign to our knowledge